The following is an entry in ClinVar:

ClinVar aggregate classification (germline): Uncertain significance. Review status: criteria provided, multiple submitters, no conflicts (2 of 4 stars). 5 submissions from 5 submitters: Uncertain significance (5). Last evaluated 2025-12-17.

Conditions:
Inborn genetic diseases. Identifiers: MedGen C0950123, MeSH D030342.
2-aminoadipic 2-oxoadipic aciduria (AAKAD). Also called: Aminoadipic aciduria; ALPHA-AMINOADIPIC AND ALPHA-KETOADIPIC ACIDURIA. Identifiers: Orphanet 79154, MedGen C1859817, MONDO:0008774, OMIM 204750.

Allele frequency attached by ClinVar (database versions not stated): TOPMed 0.00014; ESP Exome Variant Server 0.00023; 1000 Genomes Project 30x 0.00094; 1000 Genomes Project 0.00100.

Submissions (5):

Labcorp Genetics (formerly Invitae), Labcorp
Classification: Uncertain significance for 2-aminoadipic 2-oxoadipic aciduria. Last evaluated: 2025-12-17. Review status: criteria provided, single submitter. Criteria: Invitae Variant Classification Sherloc (09022015). Collection method: clinical testing. Allele origin: germline.
Comment: This sequence change replaces arginine, which is basic and polar, with serine, which is neutral and polar, at codon 888 of the DHTKD1 protein (p.Arg888Ser). This variant is present in population databases (rs143212640, gnomAD 0.06%). This variant has not been reported in the literature in individuals affected with DHTKD1-related conditions. ClinVar contains an entry for this variant (Variation ID: 858915). Invitae Evidence Modeling of protein sequence and biophysical properties (such as structural, functional, and spatial information, amino acid conservation, physicochemical variation, residue mobility, and thermodynamic stability) indicates that this missense variant is not expected to disrupt DHTKD1 protein function with a negative predictive value of 80%. Algorithms developed to predict the effect of sequence changes on RNA splicing suggest that this variant may disrupt the consensus splice site. In summary, the available evidence is currently insufficient to determine the role of this variant in disease. Therefore, it has been classified as a Variant of Uncertain Significance.

Ambry Genetics
Classification: Uncertain significance for Inborn genetic diseases. Last evaluated: 2024-02-02. Review status: criteria provided, single submitter. Criteria: Ambry Variant Classification Scheme 2023. Collection method: clinical testing. Allele origin: germline.

Clinical Genetics Laboratory, Skane University Hospital Lund
Classification: Uncertain significance. Last evaluated: 2022-11-07. Review status: criteria provided, single submitter. Criteria: ACMG Guidelines, 2015. Collection method: clinical testing. Allele origin: germline. Affected: yes.

GeneDx
Classification: Uncertain significance. Last evaluated: 2022-02-04. Review status: criteria provided, single submitter. Criteria: GeneDx Variant Classification Process June 2021. Collection method: clinical testing. Allele origin: germline. Affected: yes.
Comment: In silico analysis supports that this missense variant does not alter protein structure/function; Has not been previously published as pathogenic or benign to our knowledge

Breakthrough Genomics
Classification: Uncertain significance. Review status: criteria provided, single submitter. Criteria: ACMG Guidelines, 2015. Collection method: not provided. Allele origin: germline. Inheritance: Autosomal recessive inheritance. Affected: yes.

NM_018706.7(DHTKD1):c.2662C>A (p.Arg888Ser)

Gene: DHTKD1 (dehydrogenase E1 and transketolase domain containing 1; plus strand). Cytogenetic location: 10p14.
Variant type: single nucleotide variant.
Coding change: c.2662C>A on transcript NM_018706.7 (MANE Select); coding-DNA position 2662, C replaced by A.
Protein change: p.Arg888Ser; replaces arginine 888 with serine.
Molecular consequence: missense variant.
Genome position (GRCh38, 1-based): chr10:12,120,790, C>A. VCF-style: chr10-12120790-C-A. GRCh37 (hg19) VCF-style: chr10-12162789-C-A.
Other names: c.2662C>A (NM_018706.5); short protein forms R888S.
Identifiers: ClinVar variation 858915 (VCV000858915.12), dbSNP rs143212640, ClinGen allele CA5408363.